The following is an entry in ClinVar:

NM_000268.4(NF2):c.1446+5G>A

Gene: NF2 (NF2, moesin-ezrin-radixin like (MERLIN) tumor suppressor; plus strand). Cytogenetic location: 22q12.2.
Variant type: single nucleotide variant.
Coding change: c.1446+5G>A on transcript NM_000268.4 (MANE Select); 5 bases into the intron after coding-DNA position 1446, G replaced by A.
Molecular consequence: intron variant.
Genome position (GRCh38, 1-based): chr22:29,674,946, G>A. VCF-style: chr22-29674946-G-A. GRCh37 (hg19) VCF-style: chr22-30070935-G-A.
Other names: c.1446+5G>A (NM_016418.5, NM_181832.3, NM_181825.3); c.448-19806G>A (NM_181833.3); c.1323+5G>A (NM_181829.3); c.1320+5G>A (NM_181828.3); c.1197+5G>A (NM_181830.3, NM_181831.3).
Identifiers: ClinVar variation 457900 (VCV000457900.22), dbSNP rs367829184, ClinGen allele CA031457.

ClinVar aggregate classification (germline): Conflicting classifications of pathogenicity. Review status: criteria provided, conflicting classifications (1 of 4 stars). 7 submissions from 7 submitters: Uncertain significance (3); Likely benign (4). Last evaluated 2025-10-29.

Conditions:
Hereditary cancer-predisposing syndrome. Also called: Neoplastic Syndromes, Hereditary; Hereditary Cancer Syndrome; Hereditary neoplastic syndrome; Tumor predisposition. Identifiers: Orphanet 140162, MedGen C0027672, MeSH D009386, MONDO:0015356.
Neurofibromatosis, type 2 (SWNV). Also called: NF2-Related Schwannomatosis; SCHWANNOMATOSIS, VESTIBULAR; BILATERAL ACOUSTIC NEUROFIBROMATOSIS. Identifiers: Orphanet 637, MedGen C0027832, MONDO:0007039, OMIM 101000. Disease mechanism: loss of function.

Allele frequency attached by ClinVar (database versions not stated): gnomAD 0.00001; TOPMed 0.00001; ExAC 0.00005; ESP Exome Variant Server 0.00008.

Submissions (7):

Labcorp Genetics (formerly Invitae), Labcorp
Classification: Likely benign for Neurofibromatosis, type 2. Last evaluated: 2025-10-29. Review status: criteria provided, single submitter. Criteria: Invitae Variant Classification Sherloc (09022015). Collection method: clinical testing. Allele origin: germline.

Color Diagnostics, LLC DBA Color Health
Classification: Uncertain significance for Neurofibromatosis, type 2. Last evaluated: 2025-09-10. Review status: criteria provided, single submitter. Criteria: ACMG Guidelines, 2015. Collection method: clinical testing. Allele origin: germline.
Comment: This variant causes a G to A nucleotide substitution at the +5 position of intron 13 of the NF2 gene. Splice site prediction tools predict that this variant may have a significant impact on RNA splicing, although this prediction has not been confirmed in published RNA studies. To our knowledge, functional studies have not been reported for this variant. This variant has not been reported in individuals affected with NF2-related disorders in the literature. This variant has been identified in 1/193972 chromosomes in the general population by the Genome Aggregation Database (gnomAD). The available evidence is insufficient to determine the role of this variant in disease conclusively. Therefore, this variant is classified as a Variant of Uncertain Significance.

GeneDx
Classification: Uncertain significance. Last evaluated: 2024-05-22. Review status: criteria provided, single submitter. Criteria: GeneDx Variant Classification Process June 2021. Collection method: clinical testing. Allele origin: germline. Affected: yes.
Comment: Has not been previously published as pathogenic or benign to our knowledge; In silico analysis is inconclusive as to whether the variant alters gene splicing. In the absence of RNA/functional studies, the actual effect of this sequence change is unknown.

All of Us Research Program, National Institutes of Health
Classification: Uncertain significance for Neurofibromatosis, type 2. Last evaluated: 2023-10-23. Review status: criteria provided, single submitter. Criteria: ACMG Guidelines, 2015. Collection method: clinical testing. Allele origin: germline. Inheritance: Autosomal dominant inheritance. Observed: 3 variant alleles, 3 heterozygotes.
Comment: This variant causes a G to A nucleotide substitution at the +5 position of intron 13 of the NF2 gene. Splice site prediction tools predict that this variant may have a significant impact on RNA splicing, although this prediction has not been confirmed in published RNA studies. To our knowledge, functional studies have not been reported for this variant. This variant has not been reported in individuals affected with NF2-related disorders in the literature. This variant has been identified in 1/193972 chromosomes in the general population by the Genome Aggregation Database (gnomAD). The available evidence is insufficient to determine the role of this variant in disease conclusively. Therefore, this variant is classified as a Variant of Uncertain Significance.

This study involves interpretation of variants in research participants for the purpose of population health screening. Participant phenotype was not available at the time of variant classification. Additional details can be found in publication PMID: 35346344, PMCID: PMC8962531

Blueprint Genetics
Classification: Likely benign. Last evaluated: 2023-04-05. Review status: criteria provided, single submitter. Criteria: ACMG Guidelines, 2015. Collection method: clinical testing. Allele origin: germline.

Ambry Genetics
Classification: Likely benign for Hereditary cancer-predisposing syndrome. Last evaluated: 2022-02-08. Review status: criteria provided, single submitter. Criteria: Ambry Variant Classification Scheme 2023. Collection method: clinical testing. Allele origin: germline.

Genome-Nilou Lab
Classification: Likely benign for Neurofibromatosis, type 2. Last evaluated: 2021-11-07. Review status: criteria provided, single submitter. Criteria: ACMG Guidelines, 2015. Collection method: clinical testing. Allele origin: germline. Affected: no.